The following is an entry in ClinVar:

ClinVar aggregate classification (germline): Uncertain significance (1 of 4 stars; one submission).

Conditions:
RASopathy. Also called: rasopathies; Noonan spectrum disorder. Identifiers: Orphanet 536391, MedGen C5555857, MONDO:0021060.

Submission:

Labcorp Genetics (formerly Invitae), Labcorp
Classification: Uncertain significance for RASopathy. Last evaluated: 2026-01-31. Review status: criteria provided, single submitter. Criteria: Invitae Variant Classification Sherloc (09022015). Collection method: clinical testing. Allele origin: germline.
Comment: This sequence change falls in intron 12 of the RAF1 gene. It does not directly change the encoded amino acid sequence of the RAF1 protein. It affects a nucleotide within the consensus splice site. This variant is not present in population databases (gnomAD no frequency). This variant has not been reported in the literature in individuals affected with RAF1-related conditions. ClinVar contains an entry for this variant (Variation ID: 1004889). Variants that disrupt the consensus splice site are a relatively common cause of aberrant splicing (PMID: 17576681, 9536098). Algorithms developed to predict the effect of sequence changes on RNA splicing suggest that this variant is not likely to affect RNA splicing. In summary, the available evidence is currently insufficient to determine the role of this variant in disease. Therefore, it has been classified as a Variant of Uncertain Significance.

Literature cited by the submitters: PubMed 17576681; PubMed 9536098.

NM_002880.4(RAF1):c.1370+3G>A

Gene: RAF1 (Raf-1 proto-oncogene, serine/threonine kinase; minus strand). Cytogenetic location: 3p25.2.
Variant type: single nucleotide variant.
Coding change: c.1370+3G>A on transcript NM_002880.4 (MANE Select); 3 bases into the intron after coding-DNA position 1370, G replaced by A.
Molecular consequence: intron variant.
Genome position (GRCh38, 1-based): chr3:12,590,795, C>T on the plus strand (G>A on the coding strand, the complement: RAF1 is on the minus strand). VCF-style: chr3-12590795-C-T. GRCh37 (hg19) VCF-style: chr3-12632294-C-T.
Other names: c.1028+3G>A (NM_001354695.3); c.1127+3G>A (NM_001354692.3, NM_001354691.3); c.1187+3G>A (NM_001354694.3); c.1271+3G>A (NM_001354693.3); c.1430+3G>A (NM_001354689.3); c.1370+3G>A (NM_001354690.3).
Identifiers: ClinVar variation 1004889 (VCV001004889.6), dbSNP rs2058489324, ClinGen allele CA1346233117.